The following is an entry in ClinVar:

ClinVar aggregate classification (germline): Uncertain significance. Review status: criteria provided, multiple submitters, no conflicts (2 of 4 stars). 5 submissions from 4 submitters: Uncertain significance (4). 1 of the submissions does not count toward it. Last evaluated 2024-02-05.

Conditions:
Retinitis pigmentosa 39 (RP39). Identifiers: Orphanet 791, MedGen C3151138, MONDO:0013436, OMIM 613809.
Usher syndrome type 2A. Also called: RETINAL DISEASE IN USHER SYNDROME TYPE IIA, MODIFIER OF; USHER SYNDROME, TYPE IIA. Identifiers: Orphanet 231178, Orphanet 886, MedGen C1848634, MONDO:0010169, OMIM 276901.
Inborn genetic diseases. Identifiers: MedGen C0950123, MeSH D030342.

Allele frequency attached by ClinVar (database versions not stated): gnomAD exomes below 0.00001; ExAC 0.00001; gnomAD 0.00003 and 0.00004; TOPMed 0.00005.
gnomAD v4.1: 7 of 1,613,956 alleles (0.00043%); highest among the groups gnomAD compares: African/African-American, 0.008%; no homozygotes.

Submissions (5):

Labcorp Genetics (formerly Invitae), Labcorp
Classification: Uncertain significance. Last evaluated: 2024-02-05. Review status: criteria provided, single submitter. Criteria: Invitae Variant Classification Sherloc (09022015). Collection method: clinical testing. Allele origin: germline.
Comment: This sequence change replaces proline, which is neutral and non-polar, with histidine, which is basic and polar, at codon 909 of the USH2A protein (p.Pro909His). This variant is present in population databases (rs752748453, gnomAD 0.008%). This variant has not been reported in the literature in individuals affected with USH2A-related conditions. ClinVar contains an entry for this variant (Variation ID: 991453). Advanced modeling of protein sequence and biophysical properties (such as structural, functional, and spatial information, amino acid conservation, physicochemical variation, residue mobility, and thermodynamic stability) performed at Invitae indicates that this missense variant is not expected to disrupt USH2A protein function with a negative predictive value of 95%. In summary, the available evidence is currently insufficient to determine the role of this variant in disease. Therefore, it has been classified as a Variant of Uncertain Significance.

Genome-Nilou Lab
Classification: Uncertain significance for Retinitis pigmentosa 39. Last evaluated: 2023-11-04. Review status: criteria provided, single submitter. Criteria: ACMG Guidelines, 2015. Collection method: clinical testing. Allele origin: germline. Affected: no.

Genome-Nilou Lab
Classification: Uncertain significance for Usher syndrome type 2A. Last evaluated: 2023-11-04. Review status: criteria provided, single submitter. Criteria: ACMG Guidelines, 2015. Collection method: clinical testing. Allele origin: germline. Affected: no.

Ambry Genetics
Classification: Uncertain significance for Inborn genetic diseases. Last evaluated: 2022-11-08. Review status: criteria provided, single submitter. Criteria: Ambry Variant Classification Scheme 2023. Collection method: clinical testing. Allele origin: germline.

Natera, Inc.
Classification: Uncertain significance for Usher syndrome type 2A. Last evaluated: 2020-08-13. Review status: no assertion criteria provided. Collection method: clinical testing. Allele origin: germline. Not counted in ClinVar's aggregate classification.

NM_206933.4(USH2A):c.2726C>A (p.Pro909His)

Genes: USH2A (usherin; minus strand), LOC122152296 (Sharpr-MPRA regulatory region 8762; plus strand). Cytogenetic location: 1q41.
Variant type: single nucleotide variant.
Coding change: c.2726C>A on transcript NM_206933.4 (MANE Select); coding-DNA position 2726, C replaced by A.
Protein change: p.Pro909His; replaces proline 909 with histidine.
Molecular consequence: missense variant.
Genome position (GRCh38, 1-based): chr1:216,246,668, G>T on the plus strand (C>A on the coding strand, the complement: USH2A is on the minus strand). VCF-style: chr1-216246668-G-T. GRCh37 (hg19) VCF-style: chr1-216420010-G-T.
Other names: c.2726C>A (NM_206933.2); c.2726C>A, p.Pro909His (NM_007123.6); short protein forms P909H.
Identifiers: ClinVar variation 991453 (VCV000991453.6), dbSNP rs752748453, ClinGen allele CA1396179.
Genomic context (GRCh38, chr1:216,246,668, plus strand): 5'-CTTCCTTGACGATTAGGCACACACAGGCACTGGCCACTGATTGGGTCACAAATGGTCCCA[G>T]GTAATGTCCCCAAGGAATCACACTCACACATCTGGCAGTGTTGAAAATTGTCAATGGTCA-3'
Protein context (NP_996816.3, residues 899-919): MCECDSLGTL[Pro909His]GTICDPISGQ